The following is an entry in ClinVar:

NM_001942.4(DSG1):c.1507A>G (p.Asn503Asp)

Gene: DSG1 (desmoglein 1; plus strand). Cytogenetic location: 18q12.1.
Variant type: single nucleotide variant.
Coding change: c.1507A>G on transcript NM_001942.4 (MANE Select); coding-DNA position 1507, A replaced by G.
Protein change: p.Asn503Asp; replaces asparagine 503 with aspartic acid.
Molecular consequence: missense variant.
Genome position (GRCh38, 1-based): chr18:31,339,845, A>G. VCF-style: chr18-31339845-A-G. GRCh37 (hg19) VCF-style: chr18-28919808-A-G.
Other names: short protein forms N503D.
Identifiers: ClinVar variation 3681148 (VCV003681148.2).

ClinVar aggregate classification (germline): Uncertain significance (1 of 4 stars; one submission).

gnomAD v4.1: 2 of 1,614,068 alleles (0.00012%); highest among the groups gnomAD compares: Admixed American, 0.0017%; no homozygotes.

Submission:

Labcorp Genetics (formerly Invitae), Labcorp
Classification: Uncertain significance. Last evaluated: 2024-06-05. Review status: criteria provided, single submitter. Criteria: Invitae Variant Classification Sherloc (09022015). Collection method: clinical testing. Allele origin: germline.
Comment: This sequence change replaces asparagine, which is neutral and polar, with aspartic acid, which is acidic and polar, at codon 503 of the DSG1 protein (p.Asn503Asp). This variant is present in population databases (rs751307504, gnomAD 0.003%). This variant has not been reported in the literature in individuals affected with DSG1-related conditions. Advanced modeling of protein sequence and biophysical properties (such as structural, functional, and spatial information, amino acid conservation, physicochemical variation, residue mobility, and thermodynamic stability) performed at Invitae indicates that this missense variant is not expected to disrupt DSG1 protein function with a negative predictive value of 80%. In summary, the available evidence is currently insufficient to determine the role of this variant in disease. Therefore, it has been classified as a Variant of Uncertain Significance.